The following is an entry in ClinVar:

NM_005956.4(MTHFD1):c.2315G>A (p.Arg772His)

Genes: MTHFD1 (methylenetetrahydrofolate dehydrogenase, cyclohydrolase and formyltetrahydrofolate synthetase 1; plus strand), ZBTB25 (zinc finger and BTB domain containing 25; minus strand). Cytogenetic location: 14q23.3.
Variant type: single nucleotide variant.
Coding change: c.2315G>A on transcript NM_005956.4 (MANE Select); coding-DNA position 2315, G replaced by A.
Protein change: p.Arg772His; replaces arginine 772 with histidine.
Molecular consequence: missense variant. On other transcripts: 3 prime UTR variant (1).
Genome position (GRCh38, 1-based): chr14:64,449,480, G>A. VCF-style: chr14-64449480-G-A. GRCh37 (hg19) VCF-style: chr14-64916198-G-A.
Other names: c.2315G>A, p.Arg772His (NM_001364837.1); c.*71C>T (NM_001304508.1); short protein forms R772H.
Identifiers: ClinVar variation 781286 (VCV000781286.14), dbSNP rs149899012, ClinGen allele CA7226574.
Genomic context (GRCh38, chr14:64,449,480, plus strand): 5'-TTGATATGAAATGCTTCCTTTATAGGACGGATACAGAGTCTGAGCTGGACCTCATCAGCC[G>A]CCTTTCCAGAGAACATGGGGCTTTTGATGCCGTGAAGTGCACTCACTGGGCAGAAGGGGG-3'
Protein context (NP_005947.3, residues 762-782): DTESELDLIS[Arg772His]LSREHGAFDA

ClinVar aggregate classification (germline): Benign. Review status: criteria provided, multiple submitters, no conflicts (2 of 4 stars). 3 submissions from 3 submitters: Benign (2). 1 of the submissions does not count toward it. Last evaluated 2026-01-31.

Conditions:
MTHFD1-related disorder. Also called: MTHFD1-related condition.

Allele frequency attached by ClinVar (database versions not stated): TOPMed 0.00719; 1000 Genomes Project 0.00998; 1000 Genomes Project 30x 0.01124; gnomAD exomes 0.00063 and 0.00184; gnomAD 0.00691; ESP Exome Variant Server 0.00815; ExAC 0.00240.
gnomAD v4.1: 2,038 of 1,613,902 alleles (0.13%); highest among the groups gnomAD compares: African/African-American, 2.4%; 22 homozygotes.

Submissions (3):

Labcorp Genetics (formerly Invitae), Labcorp
Classification: Benign. Last evaluated: 2026-01-31. Review status: criteria provided, single submitter. Criteria: Invitae Variant Classification Sherloc (09022015). Collection method: clinical testing. Allele origin: germline.

Breakthrough Genomics
Classification: Benign. Review status: criteria provided, single submitter. Criteria: ACMG Guidelines, 2015. Collection method: not provided. Allele origin: germline. Inheritance: Autosomal recessive inheritance. Affected: yes.

PreventionGenetics, part of Exact Sciences
Classification: Benign for MTHFD1-related condition. Last evaluated: 2019-06-05. Review status: no assertion criteria provided. Collection method: clinical testing. Allele origin: germline. Not counted in ClinVar's aggregate classification.
Comment: This variant is classified as benign based on ACMG/AMP sequence variant interpretation guidelines (Richards et al. 2015 PMID: 25741868, with internal and published modifications).